The following is an entry in ClinVar:

ClinVar aggregate classification (germline): Uncertain significance (1 of 4 stars; one submission).

Submission:

CeGaT Center for Human Genetics Tuebingen
Classification: Uncertain significance. Last evaluated: 2024-01-01. Review status: criteria provided, single submitter. Criteria: CeGaT Center For Human Genetics Tuebingen Variant Classification Criteria Version 2. Collection method: clinical testing. Allele origin: germline. Affected: yes. Observed: 1 variant allele.
Comment: ARID1B: PM2, BP4, BP5

NM_001374828.1(ARID1B):c.2054G>C (p.Ser685Thr)

Gene: ARID1B (AT-rich interaction domain 1B; plus strand). Cytogenetic location: 6q25.3.
Variant type: single nucleotide variant.
Coding change: c.2054G>C on transcript NM_001374828.1 (MANE Select); coding-DNA position 2054, G replaced by C.
Protein change: p.Ser685Thr; replaces serine 685 with threonine.
Molecular consequence: missense variant.
Genome position (GRCh38, 1-based): chr6:156,901,443, G>C. VCF-style: chr6-156901443-G-C. GRCh37 (hg19) VCF-style: chr6-157222577-G-C.
Other names: c.1805G>C, p.Ser602Thr (NM_001346813.1); c.2093G>C, p.Ser698Thr (NM_001371656.1, NM_001374820.1); c.2054G>C, p.Ser685Thr (NM_017519.3); c.1844G>C, p.Ser615Thr (NM_020732.3); c.1631G>C, p.Ser544Thr (NM_175863.2); short protein forms S544T, S602T, S615T, S685T, S698T.
Identifiers: ClinVar variation 3026818 (VCV003026818.22), dbSNP rs763818779, ClinGen allele CA366380752.